The following is an entry in ClinVar:

NM_002519.3(NPAT):c.2209A>G (p.Ile737Val)

Gene: NPAT (nuclear protein, coactivator of histone transcription; minus strand). Cytogenetic location: 11q22.3.
Variant type: single nucleotide variant.
Coding change: c.2209A>G on transcript NM_002519.3 (MANE Select); coding-DNA position 2209, A replaced by G.
Protein change: p.Ile737Val; replaces isoleucine 737 with valine.
Molecular consequence: missense variant.
Genome position (GRCh38, 1-based): chr11:108,172,775, T>C on the plus strand (A>G on the coding strand, the complement: NPAT is on the minus strand). VCF-style: chr11-108172775-T-C. GRCh37 (hg19) VCF-style: chr11-108043502-T-C.
Other names: c.2209A>G, p.Ile737Val (NM_001321307.1); short protein forms I737V.
Identifiers: ClinVar variation 2003053 (VCV002003053.4), dbSNP rs776924039, ClinGen allele CA6263859.

ClinVar aggregate classification (germline): Uncertain significance (1 of 4 stars; one submission).

Allele frequency attached by ClinVar (database versions not stated): gnomAD exomes below 0.00001; ExAC 0.00002.
gnomAD v4.1: 3 of 1,613,688 alleles (0.00019%); highest among the groups gnomAD compares: Admixed American, 0.0033%; no homozygotes.

Submission:

Labcorp Genetics (formerly Invitae), Labcorp
Classification: Uncertain significance. Last evaluated: 2023-11-27. Review status: criteria provided, single submitter. Criteria: Invitae Variant Classification Sherloc (09022015). Collection method: clinical testing. Allele origin: germline.
Comment: This sequence change replaces isoleucine, which is neutral and non-polar, with valine, which is neutral and non-polar, at codon 737 of the NPAT protein (p.Ile737Val). This variant is present in population databases (rs776924039, gnomAD 0.009%). This variant has not been reported in the literature in individuals affected with NPAT-related conditions. ClinVar contains an entry for this variant (Variation ID: 2003053). An algorithm developed to predict the effect of missense changes on protein structure and function (PolyPhen-2) suggests that this variant is likely to be disruptive. In summary, the available evidence is currently insufficient to determine the role of this variant in disease. Therefore, it has been classified as a Variant of Uncertain Significance.